The following is an entry in ClinVar:

ClinVar aggregate classification (germline): Pathogenic (1 of 4 stars; one submission).

Conditions:
Peutz-Jeghers syndrome (PJS). Also called: POLYPOSIS, HAMARTOMATOUS INTESTINAL; POLYPS-AND-SPOTS SYNDROME; Peutz-Jeghers polyposis; Periorificial lentiginosis syndrome. Identifiers: Orphanet 2869, MedGen C0031269, MeSH D010580, MONDO:0008280, OMIM 175200.

Submission:

Labcorp Genetics (formerly Invitae), Labcorp
Classification: Pathogenic for Peutz-Jeghers syndrome. Last evaluated: 2022-02-07. Review status: criteria provided, single submitter. Criteria: Invitae Variant Classification Sherloc (09022015). Collection method: clinical testing. Allele origin: germline.
Comment: For these reasons, this variant has been classified as Pathogenic. This variant has not been reported in the literature in individuals affected with STK11-related conditions. This variant is not present in population databases (gnomAD no frequency). This sequence change creates a premature translational stop signal (p.Gln37Profs*126) in the STK11 gene. It is expected to result in an absent or disrupted protein product. Loss-of-function variants in STK11 are known to be pathogenic (PMID: 15188174, 16287113).

Literature cited by the submitters: PubMed 15188174; PubMed 16287113.

NM_000455.5(STK11):c.109dup (p.Gln37fs)

Gene: STK11 (serine/threonine kinase 11; plus strand). Cytogenetic location: 19p13.3.
Variant type: Duplication.
Coding change: c.109dup on transcript NM_000455.5 (MANE Select); coding-DNA position 109, one base duplicated (C; older notation c.109dupC).
Protein change: p.Gln37fs; shifts the reading frame from glutamine 37.
Molecular consequence: frameshift variant.
Genome position (GRCh38, 1-based): chr19:1,207,022, C duplicated; the last of 2 consecutive C bases (chr19:1,207,021-1,207,022); duplicating either gives the same sequence. VCF-style (leftmost placement, unchanged base first): chr19-1207020-A-AC. GRCh37 (hg19) VCF-style: chr19-1207019-A-AC.
Other names: short protein forms Q37fs.
Identifiers: ClinVar variation 1452087 (VCV001452087.6), dbSNP rs2145404947, ClinGen allele CA2573155836.